The following is an entry in ClinVar:

NM_000159.4(GCDH):c.932dup (p.Ala312fs)

Gene: GCDH (glutaryl-CoA dehydrogenase; plus strand). Cytogenetic location: 19p13.13.
Variant type: Duplication.
Coding change: c.932dup on transcript NM_000159.4 (MANE Select); coding-DNA position 932, one base duplicated (C; older notation c.932dupC).
Protein change: p.Ala312fs; shifts the reading frame from alanine 312.
Molecular consequence: frameshift variant. On other transcripts: non-coding transcript variant (2).
Genome position (GRCh38, 1-based): chr19:12,896,989, C duplicated. VCF-style (leftmost placement, unchanged base first): chr19-12896988-A-AC. GRCh37 (hg19) VCF-style: chr19-13007802-A-AC.
Other names: c.932dup, p.Ala312fs (NM_013976.5); short protein forms A312fs.
Identifiers: ClinVar variation 943924 (VCV000943924.11), dbSNP rs1970695925, ClinGen allele CA1139666322.
Genomic context (GRCh38, chr19:12,896,988, plus strand): 5'-AACAACGCCCGGTACGGCATCGCGTGGGGCGTGCTTGGAGCTTCGGAGTTCTGCTTGCAC[A>AC]CAGCCCGGCAGTACGCCCTCGACAGGTGTGTGAGGGCTGCAGTGAGATTCTCTGGGGGTG-3'

ClinVar aggregate classification (germline): Pathogenic/Likely pathogenic. Review status: criteria provided, multiple submitters, no conflicts (2 of 4 stars). 3 submissions from 3 submitters: Pathogenic (1); Likely pathogenic (2). Last evaluated 2023-12-14.

Conditions:
Glutaric aciduria, type 1. Also called: Glutaric Acidemia Type 1; Glutaricaciduria, type I; GA I; Glutaricacidemia Type 1; Glutaryl-CoA dehydrogenase deficiency; Glutaric acidemia type I. Identifiers: Orphanet 25, MedGen C0268595, MONDO:0009281, OMIM 231670.
GCDH-related disorder. Also called: GCDH-related condition.

Submissions (3):

Baylor Genetics
Classification: Likely pathogenic for Glutaric aciduria, type 1. Last evaluated: 2023-12-14. Review status: criteria provided, single submitter. Criteria: ACMG Guidelines, 2015. Collection method: clinical testing. Allele origin: unknown.

Labcorp Genetics (formerly Invitae), Labcorp
Classification: Pathogenic for Glutaric aciduria, type 1. Last evaluated: 2023-04-15. Review status: criteria provided, single submitter. Criteria: Invitae Variant Classification Sherloc (09022015). Collection method: clinical testing. Allele origin: germline.
Comment: This sequence change creates a premature translational stop signal (p.Ala312Serfs*31) in the GCDH gene. It is expected to result in an absent or disrupted protein product. Loss-of-function variants in GCDH are known to be pathogenic (PMID: 10699052, 11854167, 16602100). This variant is not present in population databases (gnomAD no frequency). This variant has not been reported in the literature in individuals affected with GCDH-related conditions. ClinVar contains an entry for this variant (Variation ID: 943924). For these reasons, this variant has been classified as Pathogenic.

Blueprint Genetics
Classification: Likely pathogenic for GCDH-related disorders. Last evaluated: 2021-04-14. Review status: criteria provided, single submitter. Criteria: ACMG Guidelines, 2015. Collection method: clinical testing. Allele origin: germline. Affected: yes. Observed: 3 variant alleles.

Literature cited by the submitters: PubMed 10699052 (cited by Labcorp Genetics (formerly Invitae), Labcorp); PubMed 11854167 (cited by Labcorp Genetics (formerly Invitae), Labcorp); PubMed 16602100 (cited by Labcorp Genetics (formerly Invitae), Labcorp).